The following is an entry in ClinVar:

ClinVar aggregate classification (germline): Uncertain significance (1 of 4 stars; one submission).

Conditions:
Jeune thoracic dystrophy. Also called: Jeune syndrome; Infantile thoracic dystrophy; Thoracic pelvic phalangeal dystrophy; Jeune's syndrome; Chondroectodermal dysplasia-like syndrome; Short-rib thoracic dysplasia. Identifiers: Orphanet 474, MedGen C0265275, MONDO:0018770.

Submission:

Labcorp Genetics (formerly Invitae), Labcorp
Classification: Uncertain significance for Jeune thoracic dystrophy. Last evaluated: 2020-03-14. Review status: criteria provided, single submitter. Criteria: Invitae Variant Classification Sherloc (09022015). Collection method: clinical testing. Allele origin: germline.
Comment: This variant is not present in population databases (ExAC no frequency). This sequence change replaces arginine with threonine at codon 432 of the IFT80 protein (p.Arg432Thr). The arginine residue is moderately conserved and there is a moderate physicochemical difference between arginine and threonine. This variant has not been reported in the literature in individuals with IFT80-related conditions. In summary, the available evidence is currently insufficient to determine the role of this variant in disease. Therefore, it has been classified as a Variant of Uncertain Significance. Algorithms developed to predict the effect of missense changes on protein structure and function (SIFT, PolyPhen-2, Align-GVGD) all suggest that this variant is likely to be disruptive, but these predictions have not been confirmed by published functional studies and their clinical significance is uncertain.

NM_020800.3(IFT80):c.1295G>C (p.Arg432Thr)

Genes: IFT80 (intraflagellar transport 80; minus strand), TRIM59-IFT80 (TRIM59-IFT80 readthrough (NMD candidate); minus strand). Cytogenetic location: 3q25.33.
Variant type: single nucleotide variant.
Coding change: c.1295G>C on transcript NM_020800.3 (MANE Select); coding-DNA position 1295, G replaced by C.
Protein change: p.Arg432Thr; replaces arginine 432 with threonine.
Molecular consequence: missense variant. On other transcripts: non-coding transcript variant (3).
Genome position (GRCh38, 1-based): chr3:160,300,903, C>G on the plus strand (G>C on the coding strand, the complement: IFT80 is on the minus strand). VCF-style: chr3-160300903-C-G. GRCh37 (hg19) VCF-style: chr3-160018691-C-G.
Other names: c.884G>C, p.Arg295Thr (NM_001190241.2, NM_001190242.2); short protein forms R295T, R432T.
Identifiers: ClinVar variation 1002928 (VCV001002928.8), dbSNP rs1716374436, ClinGen allele CA355193517.